The following is an entry in ClinVar:

ClinVar aggregate classification (germline): Uncertain significance. Review status: criteria provided, multiple submitters, no conflicts (2 of 4 stars). 2 submissions from 2 submitters: Uncertain significance (2). Last evaluated 2022-07-21.

Allele frequency attached by ClinVar (database versions not stated): TOPMed 0.00001; gnomAD exomes 0.00006 and 0.00014; ExAC 0.00019.

Submissions (2):

Labcorp Genetics (formerly Invitae), Labcorp
Classification: Uncertain significance. Last evaluated: 2022-07-21. Review status: criteria provided, single submitter. Criteria: Invitae Variant Classification Sherloc (09022015). Collection method: clinical testing. Allele origin: germline.
Comment: This sequence change replaces proline, which is neutral and non-polar, with serine, which is neutral and polar, at codon 290 of the MARVELD2 protein (p.Pro290Ser). This variant is present in population databases (rs757498916, gnomAD 0.1%). This variant has not been reported in the literature in individuals affected with MARVELD2-related conditions. ClinVar contains an entry for this variant (Variation ID: 228852). Algorithms developed to predict the effect of missense changes on protein structure and function are either unavailable or do not agree on the potential impact of this missense change (SIFT: "Deleterious"; PolyPhen-2: "Probably Damaging"; Align-GVGD: "Class C0"). In summary, the available evidence is currently insufficient to determine the role of this variant in disease. Therefore, it has been classified as a Variant of Uncertain Significance.

Laboratory for Molecular Medicine, Mass General Brigham Personalized Medicine
Classification: Uncertain significance. Last evaluated: 2016-04-07. Review status: criteria provided, single submitter. Criteria: LMM Criteria. Collection method: clinical testing. Allele origin: germline. Observed: 1 variant allele.
Comment: The p.Pro290Ser variant in MARVELD2 has not been previously reported in individu als with hearing loss, but it has been identified in 0.1% (23/16512) in South As ian chromosomes by the Exome Aggregation Consortium (ExAC; dbSNP rs757498916). Although this variant has been seen in the genera l population, its frequency is not high enough to rule out a pathogenic role. Co mputational prediction tools and conservation analyses suggest that this variant may impact the protein, though this information is not predictive enough to det ermine pathogenicity. In summary, the clinical significance of this variant is u ncertain.

NM_001038603.3(MARVELD2):c.868C>T (p.Pro290Ser)

Gene: MARVELD2 (MARVEL domain containing 2; plus strand). Cytogenetic location: 5q13.2.
Variant type: single nucleotide variant.
Coding change: c.868C>T on transcript NM_001038603.3 (MANE Select); coding-DNA position 868, C replaced by T.
Protein change: p.Pro290Ser; replaces proline 290 with serine.
Molecular consequence: missense variant.
Genome position (GRCh38, 1-based): chr5:69,420,253, C>T. VCF-style: chr5-69420253-C-T. GRCh37 (hg19) VCF-style: chr5-68716080-C-T.
Other names: c.868C>T, p.Pro290Ser (NM_001244734.2); short protein forms P290S.
Identifiers: ClinVar variation 228852 (VCV000228852.6), dbSNP rs757498916, ClinGen allele CA3294131.